The following is an entry in ClinVar:

ClinVar aggregate classification (germline): Pathogenic (1 of 4 stars; one submission).

Submission:

GeneDx
Classification: Pathogenic. Last evaluated: 2024-05-04. Review status: criteria provided, single submitter. Criteria: GeneDx Variant Classification Process June 2021. Collection method: clinical testing. Allele origin: germline. Affected: yes.
Comment: Has not been previously published as pathogenic or benign to our knowledge; Not observed at significant frequency in large population cohorts (gnomAD); Frameshift variant predicted to result in protein truncation or nonsense mediated decay in a gene for which loss of function is a known mechanism of disease

NM_012463.4(ATP6V0A2):c.1236del (p.Phe412fs)

Gene: ATP6V0A2 (ATPase H+ transporting V0 subunit a2; plus strand). Cytogenetic location: 12q24.31.
Variant type: Deletion.
Coding change: c.1236del on transcript NM_012463.4 (MANE Select); coding-DNA position 1236, one base deleted (T; older notation c.1236delT).
Protein change: p.Phe412fs; shifts the reading frame from phenylalanine 412.
Molecular consequence: frameshift variant.
Genome position (GRCh38, 1-based): chr12:123,744,247, T deleted; the last of 3 consecutive T bases (chr12:123,744,245-123,744,247); deleting any one gives the same sequence. VCF-style (leftmost placement, unchanged base first): chr12-123744244-GT-G. GRCh37 (hg19) VCF-style: chr12-124228791-GT-G.
Other names: short protein forms F412fs.
Identifiers: ClinVar variation 3372310 (VCV003372310.1).
Genomic context (GRCh38, chr12:123,744,244, plus strand): 5'-TTCCCTTTTTTCTGCAGCTCTCTTTACCATCATCACCTTCCCGTTTTTATTTGCTGTGAT[GT>G]TTGGAGACTTCGGACATGGCTTTGTGATGTTTTTATTTGCCCTCTTGTTGGTGTTAAATG-3'